The following is an entry in ClinVar:

NM_001349206.2(LPIN1):c.2057_2075dup (p.Gly693fs)

Gene: LPIN1 (lipin 1; plus strand). Cytogenetic location: 2p25.1.
Variant type: Duplication.
Coding change: c.2057_2075dup on transcript NM_001349206.2 (MANE Select); coding-DNA positions 2057 to 2075, 19 bases duplicated (GTGTCACCACGCAGTACCA).
Protein change: p.Gly693fs; shifts the reading frame from glycine 693.
Molecular consequence: frameshift variant. On other transcripts: non-coding transcript variant (1).
Genome position (GRCh38, 1-based): chr2:11,804,466-11,804,484, GTGTCACCACGCAGTACCA duplicated; duplicating any 19 consecutive bases within chr2:11,804,464-11,804,484 gives the same sequence; the c. name uses the placement nearest the transcript's 3' end. VCF-style (leftmost placement, unchanged base first): chr2-11804463-T-TCAGTGTCACCACGCAGTAC. GRCh37 (hg19) VCF-style: chr2-11944589-T-TCAGTGTCACCACGCAGTAC.
Other names: c.1967_1985dup, p.Gly663fs (NM_001261427.3); c.2204_2222dup, p.Gly742fs (NM_001261428.3); c.1949_1967dup, p.Gly657fs (NM_001349199.2, NM_145693.4); c.2027_2045dup, p.Gly683fs (NM_001349200.2, NM_001349201.2); c.2054_2072dup, p.Gly692fs (NM_001349202.2, NM_001349203.2); c.2057_2075dup, p.Gly693fs (NM_001349204.2, NM_001349205.2); c.2147_2165dup, p.Gly723fs (NM_001349207.2); c.2096_2114dup, p.Gly706fs (NM_001349208.2); short protein forms G657fs, G692fs, G683fs, G706fs, G693fs, G723fs, G663fs, G742fs.
Identifiers: ClinVar variation 666366 (VCV000666366.3), dbSNP rs1572931008, ClinGen allele CA915943692.

ClinVar aggregate classification (germline): Pathogenic/Likely pathogenic. Review status: criteria provided, multiple submitters, no conflicts (2 of 4 stars). 2 submissions from 2 submitters: Pathogenic (1); Likely pathogenic (1). Last evaluated 2025-05-02.

Conditions:
Myoglobinuria, acute recurrent, autosomal recessive. Also called: RHABDOMYOLYSIS, ACUTE RECURRENT; MYOGLOBINURIA, FAMILIAL PAROXYSMAL PARALYTIC; Myoglobinuria, recurrent, autosomal recessive. Identifiers: Orphanet 99845, MedGen C1849386, MONDO:0009992, OMIM 268200.

Submissions (2):

Labcorp Genetics (formerly Invitae), Labcorp
Classification: Pathogenic. Last evaluated: 2025-05-02. Review status: criteria provided, single submitter. Criteria: Invitae Variant Classification Sherloc (09022015). Collection method: clinical testing. Allele origin: germline.
Comment: This sequence change creates a premature translational stop signal (p.Gly657Cysfs*12) in the LPIN1 gene. It is expected to result in an absent or disrupted protein product. Loss-of-function variants in LPIN1 are known to be pathogenic (PMID: 18817903, 20583302, 22481384, 26111941). This variant is not present in population databases (gnomAD no frequency). This premature translational stop signal has been observed in individual(s) with LPIN1-related conditions (PMID: 31723421). ClinVar contains an entry for this variant (Variation ID: 666366). For these reasons, this variant has been classified as Pathogenic.

Department of Chemical Pathology, Prince of Wales Hospital
Classification: Likely pathogenic for Myoglobinuria, acute recurrent, autosomal recessive. Review status: criteria provided, single submitter. Criteria: ACMG Guidelines, 2015. Collection method: clinical testing. Allele origin: germline. Affected: yes. Observed: 1 variant allele.
Comment: Heterozygous; seen in trans with NM_145693.2:c.2410G>C

Literature cited by the submitters: PubMed 18817903 (cited by Labcorp Genetics (formerly Invitae), Labcorp); PubMed 20583302 (cited by Labcorp Genetics (formerly Invitae), Labcorp); PubMed 22481384 (cited by Labcorp Genetics (formerly Invitae), Labcorp); PubMed 26111941 (cited by Labcorp Genetics (formerly Invitae), Labcorp); PubMed 31723421 (cited by Labcorp Genetics (formerly Invitae), Labcorp).